The following is an entry in ClinVar:

NM_001367624.2(ZNF469):c.7294C>T (p.Gln2432Ter)

Gene: ZNF469 (zinc finger protein 469; plus strand). Cytogenetic location: 16q24.2.
Variant type: single nucleotide variant.
Coding change: c.7294C>T on transcript NM_001367624.2 (MANE Select); coding-DNA position 7294, C replaced by T.
Protein change: p.Gln2432Ter; replaces glutamine 2432 with a stop codon.
Molecular consequence: nonsense.
Genome position (GRCh38, 1-based): chr16:88,434,764, C>T. VCF-style: chr16-88434764-C-T. GRCh37 (hg19) VCF-style: chr16-88501172-C-T.
Other names: NM_001127464.1:c.7210C>T; short protein forms Q2432*.
Identifiers: ClinVar variation 1076777 (VCV001076777.10), dbSNP rs1906450508, ClinGen allele CA397109193.
Genomic context (GRCh38, chr16:88,434,764, plus strand): 5'-AGCAGCACAGCCAGTGACTTCCAGTCTGACTCCCCCCAAAGCCACAGAAATGCCTCCCAC[C>T]AGACTCCCCAGGGGGACCCCCTCGGCCCCCAAGACCTCAAACAGAGGTCCCGTGGCTATA-3'

ClinVar aggregate classification (germline): Pathogenic/Likely pathogenic. Review status: criteria provided, multiple submitters, no conflicts (2 of 4 stars). 2 submissions from 2 submitters: Pathogenic (1); Likely pathogenic (1). Last evaluated 2025-11-25.

Allele frequency attached by ClinVar (database versions not stated): TOPMed below 0.00001; gnomAD 0.00001; gnomAD exomes 0.00001.
gnomAD v4.1: 6 of 1,550,288 alleles (0.00039%); highest among the groups gnomAD compares: Non-Finnish European, 0.00052%; no homozygotes.

Submissions (2):

Labcorp Genetics (formerly Invitae), Labcorp
Classification: Pathogenic. Last evaluated: 2025-11-25. Review status: criteria provided, single submitter. Criteria: Invitae Variant Classification Sherloc (09022015). Collection method: clinical testing. Allele origin: germline.
Comment: This sequence change creates a premature translational stop signal (p.Gln2404*) in the ZNF469 gene. While this is not anticipated to result in nonsense mediated decay, it is expected to disrupt the last 1522 amino acid(s) of the ZNF469 protein. This variant is not present in population databases (gnomAD no frequency). This variant has not been reported in the literature in individuals affected with ZNF469-related conditions. ClinVar contains an entry for this variant (Variation ID: 1076777). This variant disrupts a region of the ZNF469 protein in which other variant(s) (p.Glu2944Glyfs*50) have been determined to be pathogenic (PMID: 23010198). This suggests that this is a clinically significant region of the protein, and that variants that disrupt it are likely to be disease-causing. For these reasons, this variant has been classified as Pathogenic.

GeneDx
Classification: Likely pathogenic. Last evaluated: 2024-03-06. Review status: criteria provided, single submitter. Criteria: GeneDx Variant Classification Process June 2021. Collection method: clinical testing. Allele origin: germline. Affected: yes.
Comment: Has not been previously published as pathogenic or benign to our knowledge; Nonsense variant predicted to result in protein truncation, as the last 1522 amino acids are lost, and other loss-of-function variants have been reported downstream in HGMD; Not observed at significant frequency in large population cohorts (gnomAD); This variant is associated with the following publications: (PMID: 24077912)

Literature cited by the submitters: PubMed 23010198 (cited by Labcorp Genetics (formerly Invitae), Labcorp).